The following is an entry in ClinVar:

ClinVar aggregate classification (germline): Conflicting classifications of pathogenicity. Review status: criteria provided, conflicting classifications (1 of 4 stars). 2 submissions from 2 submitters: Uncertain significance (1); Likely benign (1). Last evaluated 2025-05-19.

Conditions:
Baller-Gerold syndrome (BGS). Also called: CRANIOSYNOSTOSIS WITH RADIAL DEFECTS. Identifiers: Orphanet 1225, MedGen C0265308, MONDO:0009039, OMIM 218600.
Inborn genetic diseases. Identifiers: MedGen C0950123, MeSH D030342.

Allele frequency attached by ClinVar (database versions not stated): gnomAD exomes below 0.00001; ExAC 0.00001.
gnomAD v4.1: 1 of 1,613,364 alleles (0.000062%); highest among the groups gnomAD compares: Non-Finnish European, 0.000085%; no homozygotes.

Submissions (2):

Ambry Genetics
Classification: Likely benign for Inborn genetic diseases. Last evaluated: 2025-05-19. Review status: criteria provided, single submitter. Criteria: Ambry Variant Classification Scheme 2023. Collection method: clinical testing. Allele origin: germline.

Labcorp Genetics (formerly Invitae), Labcorp
Classification: Uncertain significance for Baller-Gerold syndrome. Last evaluated: 2024-11-15. Review status: criteria provided, single submitter. Criteria: Invitae Variant Classification Sherloc (09022015). Collection method: clinical testing. Allele origin: germline.
Comment: This sequence change replaces leucine, which is neutral and non-polar, with phenylalanine, which is neutral and non-polar, at codon 322 of the RECQL4 protein (p.Leu322Phe). This variant is present in population databases (rs780176764, gnomAD 0.0009%). This variant has not been reported in the literature in individuals affected with RECQL4-related conditions. ClinVar contains an entry for this variant (Variation ID: 1042934). Experimental studies and prediction algorithms are not available or were not evaluated, and the functional significance of this variant is currently unknown. In summary, the available evidence is currently insufficient to determine the role of this variant in disease. Therefore, it has been classified as a Variant of Uncertain Significance.

NM_004260.4(RECQL4):c.964C>T (p.Leu322Phe)

Gene: RECQL4 (RecQ like helicase 4; minus strand). Cytogenetic location: 8q24.3.
Variant type: single nucleotide variant.
Coding change: c.964C>T on transcript NM_004260.4 (MANE Select); coding-DNA position 964, C replaced by T.
Protein change: p.Leu322Phe; replaces leucine 322 with phenylalanine.
Molecular consequence: missense variant.
Genome position (GRCh38, 1-based): chr8:144,516,155, G>A on the plus strand (C>T on the coding strand, the complement: RECQL4 is on the minus strand). VCF-style: chr8-144516155-G-A. GRCh37 (hg19) VCF-style: chr8-145741539-G-A.
Other names: c.964C>T (NM_004260.3); short protein forms L322F.
Identifiers: ClinVar variation 1042934 (VCV001042934.6), dbSNP rs780176764, ClinGen allele CA4949125.
Genomic context (GRCh38, chr8:144,516,155, plus strand): 5'-AGATGTGCAGGGGGGCTGTGCCCTCAGCCTTCCCAGCCCTAGCTTGACTGGAGGGGCTGA[G>A]TCCGTGGTACCTGGGGTTCGATGGGCTGCTGCAGGGCTGAGGTGGCTGTGCCTGTACAGG-3'
Protein context (NP_004251.4, residues 312-332): SSPSNPRYHG[Leu322Phe]SPSSQARAGK